The following is an entry in ClinVar:

ClinVar aggregate classification (germline): Uncertain significance (1 of 4 stars; one submission).

Conditions:
Hereditary spastic paraplegia 43. Also called: Spastic paraplegia 43, autosomal recessive. Identifiers: Orphanet 320370, MedGen C2680446, MONDO:0014024, OMIM 615043.

Submission:

Labcorp Genetics (formerly Invitae), Labcorp
Classification: Uncertain significance for Hereditary spastic paraplegia 43. Last evaluated: 2022-09-01. Review status: criteria provided, single submitter. Criteria: Invitae Variant Classification Sherloc (09022015). Collection method: clinical testing. Allele origin: germline.
Comment: In summary, the available evidence is currently insufficient to determine the role of this variant in disease. Therefore, it has been classified as a Variant of Uncertain Significance. Algorithms developed to predict the effect of missense changes on protein structure and function (SIFT, PolyPhen-2, Align-GVGD) all suggest that this variant is likely to be tolerated. ClinVar contains an entry for this variant (Variation ID: 1682824). This variant has not been reported in the literature in individuals affected with C19orf12-related conditions. This variant is not present in population databases (gnomAD no frequency). This sequence change replaces histidine, which is basic and polar, with glutamine, which is neutral and polar, at codon 109 of the C19orf12 protein (p.His109Gln).

NM_031448.6(C19orf12):c.294C>G (p.His98Gln)

Gene: C19orf12 (chromosome 19 open reading frame 12; minus strand). Cytogenetic location: 19q12.
Variant type: single nucleotide variant.
Coding change: c.294C>G on transcript NM_031448.6 (MANE Select); coding-DNA position 294, C replaced by G.
Protein change: p.His98Gln; replaces histidine 98 with glutamine.
Molecular consequence: missense variant. On other transcripts: intron variant (1).
Genome position (GRCh38, 1-based): chr19:29,702,844, G>C on the plus strand (C>G on the coding strand, the complement: C19orf12 is on the minus strand). VCF-style: chr19-29702844-G-C. GRCh37 (hg19) VCF-style: chr19-30193751-G-C.
Other names: c.294C>G, p.His98Gln (NM_001031726.4, NM_001256047.2); c.102C>G, p.His34Gln (NM_001282929.1, NM_001282930.3, NM_001282931.3); c.290+4C>G (NM_001256046.3); short protein forms H34Q, H98Q.
Identifiers: ClinVar variation 1682824 (VCV001682824.6), dbSNP rs2145622256, ClinGen allele CA405142879.